The following is an entry in ClinVar:

ClinVar aggregate classification (germline): Pathogenic. Review status: reviewed by expert panel (3 of 4 stars). 17 submissions from 17 submitters: Pathogenic (1). 16 of the submissions do not count toward it. Last evaluated 2026-03-24.

Conditions:
ABCA4-related retinopathy. Also called: ABCA4-related retinoapthy; ABCA4 retinoapthy. Identifiers: MedGen CN322612, MONDO:0800406.
ABCA4-related disorder. Also called: ABCA4-related condition; ABCA4-related disorders. Identifiers: MedGen CN239167.
Severe early-childhood-onset retinal dystrophy (STGD1). Also called: Stargardt macular dystrophy; Juvenile onset macular degeneration; Stargardt disease 1; STGD; MACULAR DYSTROPHY WITH FLECKS, TYPE 1. Identifiers: Orphanet 364055, Orphanet 827, MedGen C1855465, MeSH D000080362, MONDO:0009549, OMIM 248200.
Age related macular degeneration 2. Also called: MACULAR DEGENERATION, SENILE; MACULOPATHY, AGE-RELATED, 2; MACULOPATHY, AGE-RELATED. Identifiers: MedGen C3495438, MONDO:0007932, OMIM 153800.
Cone-rod dystrophy 3 (CORD3). Identifiers: Orphanet 1872, MedGen C1858806, MONDO:0011395, OMIM 604116.
Retinitis pigmentosa 19 (RP19). Also called: ABCA4-Related Retinitis Pigmentosa. Identifiers: Orphanet 791, MedGen C1866422, MONDO:0011137, OMIM 601718.
Retinal dystrophy. Also called: Inherited retinal dystrophy. Identifiers: Orphanet 71862, MedGen C0854723, MeSH D058499, MONDO:0019118, HP:0000556.
Stargardt disease (FFM). Also called: Stargardt's disease; Fundus flavimaculatus. Identifiers: Orphanet 827, MedGen C0271093, MONDO:0019353.

Allele frequency attached by ClinVar (database versions not stated): gnomAD 0.00001; TOPMed 0.00002; gnomAD exomes 0.00008; ExAC 0.00012.
gnomAD v4.1: 41 of 1,613,990 alleles (0.0025%); highest among the groups gnomAD compares: Admixed American, 0.027%; no homozygotes.

Submissions 1 to 9 of 17:

ClinGen ABCA4 Variant Curation Expert Panel, Clingen
Classification: Pathogenic for ABCA4-related retinopathy. Last evaluated: 2026-03-24. Review status: reviewed by expert panel. Criteria: ClinGen ABCA4 ACMG Specifications V1.0.0. Collection method: curation. Allele origin: germline. Inheritance: Autosomal recessive inheritance.
Comment: The NM_000350.3(ABCA4):c.5318C>T is a missense variant predicted to cause substitution of alanine by valine at amino acid 1773 (p.Ala1773Val). Minor allele frequency in gnomAD v4.1.0 is 0.0000254 (41/1613990 alleles), which is lower than the ClinGen ABCA4 VCEP’s threshold for PM2_Supporting (<0.0001). The computational predictor REVEL gives a score of 0.79 which is above the threshold of >0.772 meeting PP3_Moderate. The prevalence of the variant in affected individuals is significantly increased compared with the prevalence in controls with an OR of 138.9 and CI of 56.18 to 447.50, which is above the ABCA4 VCEP threshold of >3, where the CI does not contain 1 (PS4; PMID: 35120629). This variant has been detected in at least ten individuals with ABCA4-related retinopathy. Of those individuals, one was compound heterozygous for the variant and a pathogenic variant, confirmed in trans by family testing. In addition, this variant has been detected in at least nine individuals with ABCA4-related retinopathy and who were homozygous for the variant, which may represent a founder variant in Mexico (PM3_Strong, PMID: 29422768, 37774808). The variant has been reported to segregate with ABCA4-related retinopathy in one proband and 1 similarly affected relative (PP1; PMID: 29422768). In summary, this variant meets the criteria to be classified as pathogenic for ABCA4-related retinopathy based on the ACMG/AMP criteria applied, as specified by the ClinGen ABCA4 VCEP Specification Version 1.0.0: PS4, PM3_Strong, PP3_Moderate, PP1, PM2_supporting.

PreventionGenetics, part of Exact Sciences
Classification: Pathogenic for ABCA4-related condition. Last evaluated: 2026-08-30. Review status: criteria provided, single submitter. Criteria: ACMG Guidelines, 2015. Collection method: clinical testing. Allele origin: germline. Not counted in ClinVar's aggregate classification.
Comment: The ABCA4 c.5318C>T variant is predicted to result in the amino acid substitution p.Ala1773Val. This variant has been reported many times along with a second ABCA4 variant in individuals with retinal disease (see for examples: Chacón-Camacho et al. 2013. PubMed ID: 23419329; Duncker et al. 2015. PubMed ID: 25283059; Table S1, Lin et al. 2024. PubMed ID: 38219857). This variant is reported in 0.046% of alleles in individuals of Latino descent in gnomAD. This variant is interpreted as pathogenic.

3billion
Classification: Pathogenic for ABCA4-related disorder. Last evaluated: 2025-12-03. Review status: criteria provided, single submitter. Criteria: ACMG Guidelines, 2015. Collection method: clinical testing. Allele origin: germline. Affected: yes. Not counted in ClinVar's aggregate classification.
Comment: The variant is observed at an extremely low frequency in the gnomAD v4.1.0 dataset (total allele frequency: 0.003%). Predicted Consequence/Location: Missense variant In silico tool predictions suggest damaging effect of the variant on gene or gene product [REVEL: 0.79 (>=0.6, sensitivity 0.68 and specificity 0.92); 3Cnet: 0.95 (> 0.75, sensitivity 0.96 and precision 0.92)]. The same nucleotide change resulting in the same amino acid change has been previously reported as pathogenic/likely pathogenic with strong evidence (ClinVar ID: VCV000236129 /PMID: 18652558 /3billion dataset). The variant has been reported to be in trans with a pathogenic variant as either compound heterozygous or homozygous in at least one similarly affected unrelated individual (PMID: 17982420). A different missense change at the same codon (p.Ala1773Glu) has been reported to be associated with ABCA4-related disorder (ClinVar ID: VCV000940353 /PMID: 23143460). Therefore, this variant is classified as Pathogenic according to the recommendation of ACMG/AMP guideline.

Labcorp Genetics (formerly Invitae), Labcorp
Classification: Pathogenic. Last evaluated: 2025-11-15. Review status: criteria provided, single submitter. Criteria: Invitae Variant Classification Sherloc (09022015). Collection method: clinical testing. Allele origin: germline. Not counted in ClinVar's aggregate classification.
Comment: This sequence change replaces alanine, which is neutral and non-polar, with valine, which is neutral and non-polar, at codon 1773 of the ABCA4 protein (p.Ala1773Val). This variant is present in population databases (rs760549861, gnomAD 0.05%). This missense change has been observed in individuals with ABCA4-related retinal disease (PMID: 18652558, 23419329, 28130426, 29422768). It is commonly reported in individuals of Mexican ancestry (PMID: 18652558, 23419329, 28130426, 29422768). ClinVar contains an entry for this variant (Variation ID: 236129). Invitae Evidence Modeling of protein sequence and biophysical properties (such as structural, functional, and spatial information, amino acid conservation, physicochemical variation, residue mobility, and thermodynamic stability) indicates that this missense variant is expected to disrupt ABCA4 protein function with a positive predictive value of 95%. For these reasons, this variant has been classified as Pathogenic.

SingHealth Duke-NUS Institute of Precision Medicine
Classification: Likely pathogenic for Severe early-childhood-onset retinal dystrophy. Last evaluated: 2025-02-05. Review status: criteria provided, single submitter. Criteria: PRISM ACMG Classification Criteria. Collection method: clinical testing. Allele origin: germline. Affected: yes. Not counted in ClinVar's aggregate classification.
Comment: Variant is located in a mutational hotspot where >50% of variants are pathogenic (PM1) + Other variant at this amino acid residue has been classified as pathogenic (PM5, p.Ala1773Glu). Homozygous allele count in gnomAD exomes and genomes are less than 0 (PM2). REVEL score is 0.79 (PP3_mod)

Blueprint Genetics
Classification: Pathogenic for ABCA4-related disorders. Last evaluated: 2024-07-11. Review status: criteria provided, single submitter. Criteria: ACMG Guidelines, 2015. Collection method: clinical testing. Allele origin: germline. Affected: yes. Observed: 5 variant alleles. Not counted in ClinVar's aggregate classification.

GeneDx
Classification: Pathogenic. Last evaluated: 2024-06-05. Review status: criteria provided, single submitter. Criteria: GeneDx Variant Classification Process June 2021. Collection method: clinical testing. Allele origin: germline. Affected: yes. Not counted in ClinVar's aggregate classification.
Comment: Reported in multiple individuals with Stargardt disease from Mexico, suggesting a founder mutation effect (PMID: 23419329, 29422768); Published functional studies demonstrate a damaging effect with significant reduction of protein function (PMID: 33375396); This variant is associated with the following publications: (PMID: 26161775, 23591405, 25082829, 25301883, 23419329, 35120629, 35260635, 31964843, 36460718, 32307445, 36729443, 36087940, 36284460, 29641573, 28118664, 28130426, 24763286, 32531858, 34315337, 25283059, 26780318, 28512305, 18652558, 28327576, 29288030, 29422768, 29925512, 31736247, 31456290, 32090030, 32845068, 31589614, 32619608, 33090715, 33301772, 33732702, 35657619, 35119454, 33375396)

Laboratory for Molecular Medicine, Mass General Brigham Personalized Medicine
Classification: Pathogenic for Stargardt disease. Last evaluated: 2023-05-01. Review status: criteria provided, single submitter. Criteria: ACMG Guidelines, 2015. Collection method: clinical testing. Allele origin: germline. Inheritance: Autosomal recessive inheritance. Not counted in ClinVar's aggregate classification.
Comment: The p.Ala1773Val variant in ABCA4 has been reported in >10 individuals with Stargardt disease and/or retinal degeneration, including at least 3 compound heterozygotes and 6 homozygotes, and segregated in 4 affected relatives (Stenirri 2008, Chacón-Camacho 2013, Duncker 2015, Biswas 2017, López-Rubio 2018). This variant has been reported in ClinVar (Variation ID: 236129) and has been identified in 0.05% (16/33582) of Latino chromosomes by the Genome Aggregation Database (gnomAD; dbSNP rs760549861). Although this variant is seen in the general population, its frequency is consistent with a recessive carrier frequency. Additionally, another allele the same position (p.Ala1773Glu) has been reported with a similar phenotype (Downes 2012), suggesting that changes at this position may not be tolerated. In summary, this variant is pathogenic for Stargardt disease in an autosomal recessive manner. ACMG/AMP Criteria applied: PM3_VeryStrong; PP1_Moderate; PP3.

Institute of Human Genetics, Univ. Regensburg, Univ. Regensburg
Classification: Pathogenic for Retinal dystrophy. Last evaluated: 2022-01-01. Review status: criteria provided, single submitter. Criteria: ACMG Guidelines, 2015. Collection method: clinical testing. Allele origin: germline. Affected: yes. Not counted in ClinVar's aggregate classification.

NM_000350.3(ABCA4):c.5318C>T (p.Ala1773Val)

Gene: ABCA4 (ATP binding cassette subfamily A member 4; minus strand). Cytogenetic location: 1p22.1.
Variant type: single nucleotide variant.
Coding change: c.5318C>T on transcript NM_000350.3 (MANE Select); coding-DNA position 5318, C replaced by T.
Protein change: p.Ala1773Val; replaces alanine 1773 with valine.
Molecular consequence: missense variant.
Genome position (GRCh38, 1-based): chr1:94,014,685, G>A on the plus strand (C>T on the coding strand, the complement: ABCA4 is on the minus strand). VCF-style: chr1-94014685-G-A. GRCh37 (hg19) VCF-style: chr1-94480241-G-A.
Other names: c.5096C>T, p.Ala1699Val (NM_001425324.1); short protein forms A1773V, A1699V.
Identifiers: ClinVar variation 236129 (VCV000236129.74), dbSNP rs760549861, ClinGen allele CA957302.